The following is an entry in ClinVar:

NM_001457.4(FLNB):c.1833G>C (p.Lys611Asn)

Gene: FLNB (filamin B; plus strand). Cytogenetic location: 3p14.3.
Variant type: single nucleotide variant.
Coding change: c.1833G>C on transcript NM_001457.4 (MANE Select); coding-DNA position 1833, G replaced by C.
Protein change: p.Lys611Asn; replaces lysine 611 with asparagine.
Molecular consequence: missense variant.
Genome position (GRCh38, 1-based): chr3:58,106,765, G>C. VCF-style: chr3-58106765-G-C. GRCh37 (hg19) VCF-style: chr3-58092492-G-C.
Other names: c.1833G>C, p.Lys611Asn (NM_001164317.2, NM_001164318.2, NM_001164319.2); short protein forms K611N.
Identifiers: ClinVar variation 2286672 (VCV002286672.5), dbSNP rs2471077096, ClinGen allele CA353340615.

ClinVar aggregate classification (germline): Uncertain significance. Review status: criteria provided, multiple submitters, no conflicts (2 of 4 stars). 2 submissions from 2 submitters: Uncertain significance (2). Last evaluated 2025-07-29.

Conditions:
Inborn genetic diseases. Identifiers: MedGen C0950123, MeSH D030342.

Allele frequency attached by ClinVar (database versions not stated): gnomAD exomes 0.00002.
gnomAD v4.1: 16 of 1,614,182 alleles (0.00099%); highest among the groups gnomAD compares: African/African-American, 0.0013%; no homozygotes.

Submissions (2):

Labcorp Genetics (formerly Invitae), Labcorp
Classification: Uncertain significance. Last evaluated: 2025-07-29. Review status: criteria provided, single submitter. Criteria: Invitae Variant Classification Sherloc (09022015). Collection method: clinical testing. Allele origin: germline.
Comment: This sequence change replaces lysine, which is basic and polar, with asparagine, which is neutral and polar, at codon 611 of the FLNB protein (p.Lys611Asn). This variant is not present in population databases (gnomAD no frequency). This missense change has been observed in individual(s) with isolated clubfoot (PMID: 34491919). ClinVar contains an entry for this variant (Variation ID: 2286672). Invitae Evidence Modeling of protein sequence and biophysical properties (such as structural, functional, and spatial information, amino acid conservation, physicochemical variation, residue mobility, and thermodynamic stability) indicates that this missense variant is not expected to disrupt FLNB protein function with a negative predictive value of 95%. In summary, the available evidence is currently insufficient to determine the role of this variant in disease. Therefore, it has been classified as a Variant of Uncertain Significance.

Ambry Genetics
Classification: Uncertain significance for Inborn genetic diseases. Last evaluated: 2022-04-28. Review status: criteria provided, single submitter. Criteria: Ambry Variant Classification Scheme 2023. Collection method: clinical testing. Allele origin: germline.

Literature cited by the submitters: PubMed 34491919 (cited by Labcorp Genetics (formerly Invitae), Labcorp).